The following is an entry in ClinVar:

NM_000038.6(APC):c.4067C>T (p.Ser1356Leu)

Gene: APC (APC regulator of Wnt signaling pathway; plus strand). Cytogenetic location: 5q22.2.
Variant type: single nucleotide variant.
Coding change: c.4067C>T on transcript NM_000038.6 (MANE Select); coding-DNA position 4067, C replaced by T.
Protein change: p.Ser1356Leu; replaces serine 1356 with leucine.
Molecular consequence: missense variant. On other transcripts: non-coding transcript variant (2).
Genome position (GRCh38, 1-based): chr5:112,839,661, C>T. VCF-style: chr5-112839661-C-T. GRCh37 (hg19) VCF-style: chr5-112175358-C-T.
Other names: c.4067C>T, p.Ser1356Leu (NM_001127510.3, NM_001354895.2, NM_001407450.1); c.4013C>T, p.Ser1338Leu (NM_001127511.3); c.4121C>T, p.Ser1374Leu (NM_001354896.2, NM_001407447.1, NM_001407448.1 and 1 more transcripts); c.4097C>T, p.Ser1366Leu (NM_001354897.2); c.3992C>T, p.Ser1331Leu (NM_001354898.2); c.3983C>T, p.Ser1328Leu (NM_001354899.2); c.3944C>T, p.Ser1315Leu (NM_001354900.2); c.3890C>T, p.Ser1297Leu (NM_001354901.2, NM_001407453.1); and 11 more; short protein forms S1073L, S1196L, S1227L, S1230L, S1255L, S1265L, S1273L, S1297L.
Identifiers: ClinVar variation 3893768 (VCV003893768.1).

ClinVar aggregate classification (germline): Uncertain significance (1 of 4 stars; one submission).

Conditions:
Hereditary cancer-predisposing syndrome. Also called: Neoplastic Syndromes, Hereditary; Tumor predisposition; Hereditary Cancer Syndrome; Hereditary neoplastic syndrome. Identifiers: Orphanet 140162, MedGen C0027672, MeSH D009386, MONDO:0015356.

Submission:

Color Diagnostics, LLC DBA Color Health
Classification: Uncertain significance for Hereditary cancer-predisposing syndrome. Last evaluated: 2024-04-29. Review status: criteria provided, single submitter. Criteria: ACMG Guidelines, 2015. Collection method: clinical testing. Allele origin: germline.
Comment: This missense variant replaces serine with leucine at codon 1356 of the APC protein. Computational prediction suggests that this variant may not impact protein structure and function (internally defined REVEL score threshold <= 0.5, PMID: 27666373). To our knowledge, functional studies have not been reported for this variant. This variant has not been reported in individuals affected with APC-related disorders in the literature. This variant has not been identified in the general population by the Genome Aggregation Database (gnomAD). The available evidence is insufficient to determine the role of this variant in disease conclusively. Therefore, this variant is classified as a Variant of Uncertain Significance.